The following is an entry in ClinVar:

NM_024747.6(HPS6):c.2178A>T (p.Gly726=)

Gene: HPS6 (HPS6 biogenesis of lysosomal organelles complex 2 subunit 3; plus strand). Cytogenetic location: 10q24.32.
Variant type: single nucleotide variant.
Coding change: c.2178A>T on transcript NM_024747.6 (MANE Select); coding-DNA position 2178, A replaced by T.
Protein change: p.Gly726=; no amino-acid change (glycine 726 retained).
Molecular consequence: synonymous variant.
Genome position (GRCh38, 1-based): chr10:102,067,652, A>T. VCF-style: chr10-102067652-A-T. GRCh37 (hg19) VCF-style: chr10-103827409-A-T.
Other names: p.Gly726=.
Identifiers: ClinVar variation 721984 (VCV000721984.13), dbSNP rs200902694, ClinGen allele CA5660122.

ClinVar aggregate classification (germline): Benign/Likely benign. Review status: criteria provided, multiple submitters, no conflicts (2 of 4 stars). 3 submissions from 3 submitters: Benign (1); Likely benign (2). Last evaluated 2026-02-01.

Allele frequency attached by ClinVar (database versions not stated): gnomAD 0.00015 and 0.00016; 1000 Genomes Project 30x 0.00016; 1000 Genomes Project 0.00020; TOPMed 0.00041; ExAC 0.00104; gnomAD exomes 0.00122.
gnomAD v4.1: 359 of 1,613,942 alleles (0.022%); highest among the groups gnomAD compares: Admixed American, 0.59%; 1 homozygote.

Submissions (3):

Labcorp Genetics (formerly Invitae), Labcorp
Classification: Benign. Last evaluated: 2026-02-01. Review status: criteria provided, single submitter. Criteria: Invitae Variant Classification Sherloc (09022015). Collection method: clinical testing. Allele origin: germline.

Mayo Clinic Laboratories, Mayo Clinic
Classification: Likely benign. Last evaluated: 2025-03-05. Review status: criteria provided, single submitter. Criteria: ACMG Guidelines, 2015. Collection method: clinical testing. Allele origin: germline. Observed: 1 variant allele.
Comment: BS1, BP4, BP7

Blueprint Genetics
Classification: Likely benign. Last evaluated: 2021-11-30. Review status: criteria provided, single submitter. Criteria: ACMG Guidelines, 2015. Collection method: clinical testing. Allele origin: germline.